The following is an entry in ClinVar:

Single allele

Genes: AIFM3 (AIF family member 3; plus strand), ARVCF (ARVCF delta catenin family member; minus strand), C22orf39 (chromosome 22 open reading frame 39; minus strand), CCDC188 (coiled-coil domain containing 188; minus strand), CDC45 (cell division cycle 45; plus strand) and 177 more. Cytogenetic location: 22q11.21.
Variant type: Duplication.
Identifiers: ClinVar variation 5021145 (VCV005021145.1).

ClinVar aggregate classification (germline): Pathogenic (1 of 4 stars; one submission).

Conditions:
Chromosome 22q11.2 microduplication syndrome. Also called: CHROMOSOME 22q11.2 DUPLICATION SYNDROME; 22q11.2 microduplication syndrome. Identifiers: Orphanet 1727, MedGen C2675369, MONDO:0012020, OMIM 608363.

Submission:

Conrad Lab, Oregon Health and Science University
Classification: Pathogenic for Chromosome 22q11.2 microduplication syndrome. Last evaluated: 2026-09-29. Review status: criteria provided, single submitter. Criteria: ACMG Guidelines, 2015. Collection method: research. Allele origin: germline. Observed: 1 variant allele. Study: GEMINI.
Comment: This approximately 2.5 Mb duplication overlaps the proximal 22q11.2 region associated with chromosome 22q11.2 duplication syndrome. The submitted Pathogenic interpretation is specifically for that syndrome and reflects the author-reviewed assessment of the recurrent genomic disorder. Variable expression and incomplete penetrance are recognized. The manuscript infertility-specific interpretation was Uncertain significance. Coordinates are minimum bounds.